The following is an entry in ClinVar:

ClinVar aggregate classification (germline): Uncertain significance (1 of 4 stars; one submission).

Submission:

GeneDx
Classification: Uncertain significance. Last evaluated: 2024-11-01. Review status: criteria provided, single submitter. Criteria: GeneDx Variant Classification Process June 2021. Collection method: clinical testing. Allele origin: germline.
Comment: Not observed at significant frequency in large population cohorts (gnomAD); In silico analysis supports that this missense variant has a deleterious effect on protein structure/function; Has not been previously published as pathogenic or benign to our knowledge

NM_018082.6(POLR3B):c.1082G>A (p.Arg361Gln)

Gene: POLR3B (RNA polymerase III subunit B; plus strand). Cytogenetic location: 12q23.3.
Variant type: single nucleotide variant.
Coding change: c.1082G>A on transcript NM_018082.6 (MANE Select); coding-DNA position 1082, G replaced by A.
Protein change: p.Arg361Gln; replaces arginine 361 with glutamine.
Molecular consequence: missense variant.
Genome position (GRCh38, 1-based): chr12:106,410,941, G>A. VCF-style: chr12-106410941-G-A. GRCh37 (hg19) VCF-style: chr12-106804719-G-A.
Other names: c.908G>A, p.Arg303Gln (NM_001160708.2); short protein forms R303Q, R361Q.
Identifiers: ClinVar variation 3362063 (VCV003362063.2).